The following is an entry in ClinVar:

ClinVar aggregate classification (germline): Uncertain significance (1 of 4 stars; one submission).

Conditions:
Fucosidosis. Also called: ALPHA-L-FUCOSIDASE DEFICIENCY. Identifiers: Orphanet 349, MedGen C0016788, MONDO:0009254, OMIM 230000.

Submission:

Labcorp Genetics (formerly Invitae), Labcorp
Classification: Uncertain significance for Fucosidosis. Last evaluated: 2022-05-12. Review status: criteria provided, single submitter. Criteria: Invitae Variant Classification Sherloc (09022015). Collection method: clinical testing. Allele origin: germline.
Comment: This variant is not present in population databases (gnomAD no frequency). This sequence change replaces tryptophan, which is neutral and slightly polar, with serine, which is neutral and polar, at codon 379 of the FUCA1 protein (p.Trp379Ser). This variant has not been reported in the literature in individuals affected with FUCA1-related conditions. Algorithms developed to predict the effect of missense changes on protein structure and function output the following: SIFT: "Tolerated"; PolyPhen-2: "Benign"; Align-GVGD: "Class C0". The serine amino acid residue is found in multiple mammalian species, which suggests that this missense change does not adversely affect protein function. In summary, the available evidence is currently insufficient to determine the role of this variant in disease. Therefore, it has been classified as a Variant of Uncertain Significance.

NM_000147.5(FUCA1):c.1136G>C (p.Trp379Ser)

Gene: FUCA1 (alpha-L-fucosidase 1; minus strand). Cytogenetic location: 1p36.11.
Variant type: single nucleotide variant.
Coding change: c.1136G>C on transcript NM_000147.5 (MANE Select); coding-DNA position 1136, G replaced by C.
Protein change: p.Trp379Ser; replaces tryptophan 379 with serine.
Molecular consequence: missense variant. On other transcripts: non-coding transcript variant (4).
Genome position (GRCh38, 1-based): chr1:23,848,673, C>G on the plus strand (G>C on the coding strand, the complement: FUCA1 is on the minus strand). VCF-style: chr1-23848673-C-G. GRCh37 (hg19) VCF-style: chr1-24175163-C-G.
Other names: short protein forms W379S.
Identifiers: ClinVar variation 1993374 (VCV001993374.4), dbSNP rs2521634369, ClinGen allele CA339035952.
Genomic context (GRCh38, chr1:23,848,673, plus strand): 5'-GTTCTGTTCTTACACACAACAGAAGACAAGACTCACCATACAGATGTTGTGTTCTTTTCC[C>G]ATTGCACCCGCCATGGTTTGGAGGCATAGATAGCCTCCCCATTGATGCTCAGCCATTTCC-3'
Protein context (NP_000138.2, residues 369-389): IYASKPWRVQ[Trp379Ser]EKNTTSVWYT